The following is an entry in ClinVar:

NM_001127222.2(CACNA1A):c.7485C>G (p.His2495Gln)

Gene: CACNA1A (calcium voltage-gated channel subunit alpha1 A; minus strand). Cytogenetic location: 19p13.13.
Variant type: single nucleotide variant.
Coding change: c.7485C>G on transcript NM_001127222.2 (MANE Select); coding-DNA position 7485, C replaced by G.
Protein change: p.His2495Gln; replaces histidine 2495 with glutamine.
Molecular consequence: missense variant. On other transcripts: 3 prime UTR variant (3).
Genome position (GRCh38, 1-based): chr19:13,207,349, G>C on the plus strand (C>G on the coding strand, the complement: CACNA1A is on the minus strand). VCF-style: chr19-13207349-G-C. GRCh37 (hg19) VCF-style: chr19-13318163-G-C.
Other names: c.*697C>G (NM_000068.4, NM_001127221.2, NM_001174080.2); c.7503C>G, p.His2501Gln (NM_023035.3); short protein forms H2501Q, H2495Q.
Identifiers: ClinVar variation 2585588 (VCV002585588.1), dbSNP rs1457620779, ClinGen allele CA404326540.

ClinVar aggregate classification (germline): Uncertain significance (1 of 4 stars; one submission).

Conditions:
Developmental and epileptic encephalopathy, 42 (DEE42A). Also called: DEVELOPMENTAL AND EPILEPTIC ENCEPHALOPATHY 42A; EPILEPTIC ENCEPHALOPATHY, EARLY INFANTILE, 42A; Epileptic encephalopathy, early infantile, 42. Identifiers: MedGen C4310716, MONDO:0014917, OMIM 617106.

Allele frequency attached by ClinVar (database versions not stated): 1000 Genomes Project 30x 0.00016.
gnomAD v4.1: 4 of 1,560,282 alleles (0.00026%); highest among the groups gnomAD compares: South Asian, 0.0023%; no homozygotes.

Submission:

Neuberg Centre For Genomic Medicine, NCGM
Classification: Uncertain significance for Developmental and epileptic encephalopathy, 42. Review status: criteria provided, single submitter. Criteria: ACMG Guidelines, 2015. Collection method: clinical testing. Allele origin: germline. Inheritance: Autosomal dominant inheritance. Affected: yes.
Comment: The missense variant c.7485C>G (p.His2495Gln) in CACNA1A gene has not been reported previously as a pathogenic variant nor as a benign variant, to our knowledge. The p.His2495Gln variant is novel (not in any individuals) in gnomAD Exomes and 1000 Genomes. The amino acid His at position 2495 is changed to a Gln changing protein sequence and it might alter its composition and physico-chemical properties. For these reasons, this variant has been classified as Uncertain Significance